The following is an entry in ClinVar:

ClinVar aggregate classification (germline): Conflicting classifications of pathogenicity. Review status: criteria provided, conflicting classifications (1 of 4 stars). 3 submissions from 3 submitters: Uncertain significance (1); Likely benign (1). 1 of the submissions does not count toward it. Last evaluated 2024-01-26.

Conditions:
DYNC1H1-related disorder. Also called: DYNC1H1-related condition; DYNC1H1-related disorders. Identifiers: MedGen CN381529.
Charcot-Marie-Tooth disease axonal type 2O. Also called: Charcot-Marie-Tooth disease, axonal, type 20; CHARCOT-MARIE-TOOTH NEUROPATHY, AXONAL, TYPE 2O; CHARCOT-MARIE-TOOTH DISEASE, AXONAL, AUTOSOMAL DOMINANT, TYPE 2O; Charcot-Marie-Tooth Neuropathy Type 2O. Identifiers: Orphanet 284232, MedGen C3280220, MONDO:0013644, OMIM 614228.

Allele frequency attached by ClinVar (database versions not stated): gnomAD exomes below 0.00001; gnomAD 0.00001.
gnomAD v4.1: 2 of 1,614,130 alleles (0.00012%); highest among the groups gnomAD compares: Admixed American, 0.0017%; no homozygotes.

Submissions (3):

Labcorp Genetics (formerly Invitae), Labcorp
Classification: Likely benign for Charcot-Marie-Tooth disease axonal type 2O. Last evaluated: 2024-01-26. Review status: criteria provided, single submitter. Criteria: Invitae Variant Classification Sherloc (09022015). Collection method: clinical testing. Allele origin: germline.

Blueprint Genetics
Classification: Uncertain significance. Last evaluated: 2020-01-30. Review status: criteria provided, single submitter. Criteria: ACMG Guidelines, 2015. Collection method: clinical testing. Allele origin: germline.

PreventionGenetics, part of Exact Sciences
Classification: Uncertain significance for DYNC1H1-related condition. Last evaluated: 2023-12-06. Review status: no assertion criteria provided. Collection method: clinical testing. Allele origin: germline. Not counted in ClinVar's aggregate classification.
Comment: The DYNC1H1 c.11545G>A variant is predicted to result in the amino acid substitution p.Val3849Ile. To our knowledge, this variant has not been reported in the literature. This variant is reported in 0.011% of alleles in individuals of African descent in gnomAD. At this time, the clinical significance of this variant is uncertain due to the absence of conclusive functional and genetic evidence.

NM_001376.5(DYNC1H1):c.11545G>A (p.Val3849Ile)

Gene: DYNC1H1 (dynein cytoplasmic 1 heavy chain 1; plus strand). Cytogenetic location: 14q32.31.
Variant type: single nucleotide variant.
Coding change: c.11545G>A on transcript NM_001376.5 (MANE Select); coding-DNA position 11545, G replaced by A.
Protein change: p.Val3849Ile; replaces valine 3849 with isoleucine.
Molecular consequence: missense variant.
Genome position (GRCh38, 1-based): chr14:102,039,496, G>A. VCF-style: chr14-102039496-G-A. GRCh37 (hg19) VCF-style: chr14-102505833-G-A.
Other names: short protein forms V3849I.
Identifiers: ClinVar variation 2630725 (VCV002630725.7), dbSNP rs943487161, ClinGen allele CA266974697.